The following is an entry in ClinVar:

ClinVar aggregate classification (germline): Uncertain significance (1 of 4 stars; one submission).

Allele frequency attached by ClinVar (database versions not stated): ExAC 0.00002; gnomAD exomes 0.00004; TOPMed 0.00004; gnomAD 0.00005; ESP Exome Variant Server 0.00015.
gnomAD v4.1: 62 of 1,614,032 alleles (0.0038%); highest among the groups gnomAD compares: Non-Finnish European, 0.0048%; no homozygotes.

Submission:

Labcorp Genetics (formerly Invitae), Labcorp
Classification: Uncertain significance. Last evaluated: 2025-09-13. Review status: criteria provided, single submitter. Criteria: Invitae Variant Classification Sherloc (09022015). Collection method: clinical testing. Allele origin: germline.
Comment: This sequence change replaces aspartic acid, which is acidic and polar, with tyrosine, which is neutral and polar, at codon 720 of the RFWD3 protein (p.Asp720Tyr). This variant is present in population databases (rs149104426, gnomAD 0.005%). This variant has not been reported in the literature in individuals affected with RFWD3-related conditions. ClinVar contains an entry for this variant (Variation ID: 2193234). An algorithm developed to predict the effect of missense changes on protein structure and function (PolyPhen-2) suggests that this variant is likely to be disruptive. In summary, the available evidence is currently insufficient to determine the role of this variant in disease. Therefore, it has been classified as a Variant of Uncertain Significance.

NM_018124.4(RFWD3):c.2158G>T (p.Asp720Tyr)

Gene: RFWD3 (ring finger and WD repeat domain 3; minus strand). Cytogenetic location: 16q23.1.
Variant type: single nucleotide variant.
Coding change: c.2158G>T on transcript NM_018124.4 (MANE Select); coding-DNA position 2158, G replaced by T.
Protein change: p.Asp720Tyr; replaces aspartic acid 720 with tyrosine.
Molecular consequence: missense variant.
Genome position (GRCh38, 1-based): chr16:74,626,366, C>A on the plus strand (G>T on the coding strand, the complement: RFWD3 is on the minus strand). VCF-style: chr16-74626366-C-A. GRCh37 (hg19) VCF-style: chr16-74660264-C-A.
Other names: c.2158G>T, p.Asp720Tyr (NM_001370534.1, NM_001370535.1); c.1981G>T, p.Asp661Tyr (NM_001370536.1); c.1324G>T, p.Asp442Tyr (NM_001370537.1, NM_001370539.1, NM_001370540.1 and 3 more transcripts); short protein forms D442Y, D661Y, D720Y.
Identifiers: ClinVar variation 2193234 (VCV002193234.4), dbSNP rs149104426, ClinGen allele CA8168980.